The following is an entry in ClinVar:

ClinVar aggregate classification (germline): Likely benign (0 of 4 stars; one submission).

Conditions:
TBCE-related disorder. Also called: TBCE-related disorders; TBCE-related condition.

Submission:

PreventionGenetics, part of Exact Sciences
Classification: Likely benign for TBCE-related condition. Last evaluated: 2020-01-29. Review status: no assertion criteria provided. Collection method: clinical testing. Allele origin: germline.
Comment: This variant is classified as likely benign based on ACMG/AMP sequence variant interpretation guidelines (Richards et al. 2015 PMID: 25741868, with internal and published modifications).

NM_003193.5(TBCE):c.661-1267A>T

Gene: TBCE (tubulin folding cofactor E; plus strand). Cytogenetic location: 1q42.3.
Variant type: single nucleotide variant.
Coding change: c.661-1267A>T on transcript NM_003193.5 (MANE Select); 1267 bases into the intron before coding-DNA position 661, A replaced by T.
Molecular consequence: intron variant.
Genome position (GRCh38, 1-based): chr1:235,432,937, A>T. VCF-style: chr1-235432937-A-T. GRCh37 (hg19) VCF-style: chr1-235596252-A-T.
Other names: c.661-1267A>T (NM_001079515.3); c.661-9A>T (NM_001287801.2); c.322-1267A>T (NM_001287802.2).
Identifiers: ClinVar variation 3051960 (VCV003051960.2), dbSNP rs2527020893, ClinGen allele CA2651112197.